The following is an entry in ClinVar:

ClinVar aggregate classification (germline): Uncertain significance. Review status: criteria provided, multiple submitters, no conflicts (2 of 4 stars). 2 submissions from 2 submitters: Uncertain significance (2). Last evaluated 2025-06-20.

Conditions:
Hereditary cancer-predisposing syndrome. Also called: Neoplastic Syndromes, Hereditary; Tumor predisposition; Hereditary neoplastic syndrome; Hereditary Cancer Syndrome. Identifiers: Orphanet 140162, MedGen C0027672, MeSH D009386, MONDO:0015356.

Submissions (2):

Ambry Genetics
Classification: Uncertain significance for Hereditary cancer-predisposing syndrome. Last evaluated: 2025-06-20. Review status: criteria provided, single submitter. Criteria: Ambry Variant Classification Scheme 2023. Collection method: clinical testing. Allele origin: germline.
Comment: The c.2748+3A>G intronic variant results from an A to G substitution 3 nucleotides after coding exon 7 in the PALB2 gene. This nucleotide position is well conserved in available vertebrate species. In silico splice site analysis for this alteration is inconclusive, and direct evidence is insufficient at this time (Ambry internal data). Since supporting evidence is limited at this time, the clinical significance of this alteration remains unclear.

Color Diagnostics, LLC DBA Color Health
Classification: Uncertain significance for Hereditary cancer-predisposing syndrome. Last evaluated: 2018-08-06. Review status: criteria provided, single submitter. Criteria: ACMG Guidelines, 2015. Collection method: clinical testing. Allele origin: germline.

NM_024675.4(PALB2):c.2748+3A>G

Gene: PALB2 (partner and localizer of BRCA2; minus strand). Cytogenetic location: 16p12.2.
Variant type: single nucleotide variant.
Coding change: c.2748+3A>G on transcript NM_024675.4 (MANE Select); 3 bases into the intron after coding-DNA position 2748, A replaced by G.
Molecular consequence: intron variant.
Genome position (GRCh38, 1-based): chr16:23,626,233, T>C on the plus strand (A>G on the coding strand, the complement: PALB2 is on the minus strand). VCF-style: chr16-23626233-T-C. GRCh37 (hg19) VCF-style: chr16-23637554-T-C.
Identifiers: ClinVar variation 628992 (VCV000628992.5), dbSNP rs1567215302, ClinGen allele CA913188721.